The following is an entry in ClinVar:

NM_001258392.3(CLPB):c.1122+16T>C

Gene: CLPB (ClpB family mitochondrial disaggregase; minus strand). Cytogenetic location: 11q13.4.
Variant type: single nucleotide variant.
Coding change: c.1122+16T>C on transcript NM_001258392.3 (MANE Select); 16 bases into the intron after coding-DNA position 1122, T replaced by C.
Molecular consequence: intron variant.
Genome position (GRCh38, 1-based): chr11:72,307,183, A>G on the plus strand (T>C on the coding strand, the complement: CLPB is on the minus strand). VCF-style: chr11-72307183-A-G. GRCh37 (hg19) VCF-style: chr11-72018227-A-G.
Other names: c.1035+16T>C (NM_001258393.3); c.1212+16T>C (NM_030813.6); c.1077+16T>C (NM_001258394.3).
Identifiers: ClinVar variation 383491 (VCV000383491.12), dbSNP rs187846751, ClinGen allele CA6171269.

ClinVar aggregate classification (germline): Benign/Likely benign. Review status: criteria provided, multiple submitters, no conflicts (2 of 4 stars). 4 submissions from 4 submitters: Benign (1); Likely benign (3). Last evaluated 2026-01-27.

Conditions:
3-methylglutaconic aciduria, type VIIB (MGCA7B). Also called: CLPB Deficiency; 3-methylglutaconic aciduria with cataracts, neurologic involvement and neutropenia; 3-methylglutaconic aciduria, type VII, with cataracts, neurologic involvement and neutropenia. Identifiers: Orphanet 445038, MedGen C5676893, MONDO:0014561, OMIM 616271.

Allele frequency attached by ClinVar (database versions not stated): 1000 Genomes Project 30x 0.00031; 1000 Genomes Project 0.00040; gnomAD 0.00145 and 0.00147; TOPMed 0.00149; ESP Exome Variant Server 0.00169.
gnomAD v4.1: 3,087 of 1,612,732 alleles (0.19%); highest among the groups gnomAD compares: Middle Eastern, 0.4%; 3 homozygotes.

Submissions (4):

Labcorp Genetics (formerly Invitae), Labcorp
Classification: Benign for 3-methylglutaconic aciduria, type VIIB. Last evaluated: 2026-01-27. Review status: criteria provided, single submitter. Criteria: Invitae Variant Classification Sherloc (09022015). Collection method: clinical testing. Allele origin: germline.

Blueprint Genetics
Classification: Likely benign. Last evaluated: 2024-11-11. Review status: criteria provided, single submitter. Criteria: ACMG Guidelines, 2015. Collection method: clinical testing. Allele origin: germline.

GeneDx
Classification: Likely benign. Last evaluated: 2018-02-22. Review status: criteria provided, single submitter. Criteria: GeneDx Variant Classification (06012015). Collection method: clinical testing. Allele origin: germline. Affected: yes.
Comment: This variant is considered likely benign or benign based on one or more of the following criteria: it is a conservative change, it occurs at a poorly conserved position in the protein, it is predicted to be benign by multiple in silico algorithms, and/or has population frequency not consistent with disease.

Breakthrough Genomics
Classification: Likely benign. Review status: criteria provided, single submitter. Criteria: ACMG Guidelines, 2015. Collection method: not provided. Allele origin: germline. Inheritance: Autosomal recessive inheritance. Affected: yes.